The following is an entry in ClinVar:

ClinVar aggregate classification (germline): Uncertain significance (1 of 4 stars; one submission).

gnomAD v4.1: 1 of 1,587,496 alleles (0.000063%); highest among the groups gnomAD compares: Non-Finnish European, 0.000086%; no homozygotes.

Submission:

Dasa
Classification: Uncertain significance. Last evaluated: 2025-05-03. Review status: criteria provided, single submitter. Criteria: DASA Assertion Criteria. Collection method: clinical testing. Allele origin: germline.
Comment: NM_014495.4(ANGPTL3):c.722-2A>G affects a canonical splice site and is predicted to disrupt normal RNA splicing. This variant is rare in population databases. The currently available literature and clinical evidence are not sufficient to establish a definitive association between this variant and the reported condition. Therefore, this variant is classified as a variant of uncertain significance.

NM_014495.4(ANGPTL3):c.722-2A>G

Genes: ANGPTL3 (angiopoietin like 3; plus strand), DOCK7 (dedicator of cytokinesis 7; minus strand). Cytogenetic location: 1p31.3.
Variant type: single nucleotide variant.
Coding change: c.722-2A>G on transcript NM_014495.4 (MANE Select); the canonical splice acceptor site of the intron before coding-DNA position 722, A replaced by G.
Molecular consequence: splice acceptor variant. On other transcripts: intron variant (7).
Genome position (GRCh38, 1-based): chr1:62,601,767, A>G. VCF-style: chr1-62601767-A-G. GRCh37 (hg19) VCF-style: chr1-63067438-A-G.
Other names: c.1683-15143T>C (NM_001272001.2, NM_001272000.2, NM_033407.4 and 4 more transcripts).
Identifiers: ClinVar variation 4881641 (VCV004881641.2).
Genomic context (GRCh38, chr1:62,601,767, plus strand): 5'-CAAGCTCCAAAGATATTATTCCTATTACTAAATCTGATGTAATAACATTTTATTGATTCT[A>G]GGCATTCCTGCTGAATGTACCACCATTTATAACAGAGGTGAACATACAAGTGGCATGTAT-3'